The following is an entry in ClinVar:

ClinVar aggregate classification (germline): Uncertain significance (1 of 4 stars; one submission).

gnomAD v4.1: 11 of 1,613,662 alleles (0.00068%); highest among the groups gnomAD compares: South Asian, 0.011%; no homozygotes.

Submission:

Labcorp Genetics (formerly Invitae), Labcorp
Classification: Uncertain significance. Last evaluated: 2024-02-16. Review status: criteria provided, single submitter. Criteria: Invitae Variant Classification Sherloc (09022015). Collection method: clinical testing. Allele origin: germline.
Comment: This sequence change replaces glutamine, which is neutral and polar, with leucine, which is neutral and non-polar, at codon 611 of the GANAB protein (p.Gln611Leu). This variant is present in population databases (rs749010632, gnomAD 0.01%). This variant has not been reported in the literature in individuals affected with GANAB-related conditions. Advanced modeling of protein sequence and biophysical properties (such as structural, functional, and spatial information, amino acid conservation, physicochemical variation, residue mobility, and thermodynamic stability) performed at Invitae indicates that this missense variant is not expected to disrupt GANAB protein function with a negative predictive value of 80%. In summary, the available evidence is currently insufficient to determine the role of this variant in disease. Therefore, it has been classified as a Variant of Uncertain Significance.

NM_198334.3(GANAB):c.1766A>T (p.Gln589Leu)

Gene: GANAB (glucosidase II alpha subunit; minus strand). Cytogenetic location: 11q12.3.
Variant type: single nucleotide variant.
Coding change: c.1766A>T on transcript NM_198334.3 (MANE Select); coding-DNA position 1766, A replaced by T.
Protein change: p.Gln589Leu; replaces glutamine 589 with leucine.
Molecular consequence: missense variant.
Genome position (GRCh38, 1-based): chr11:62,629,656, T>A on the plus strand (A>T on the coding strand, the complement: GANAB is on the minus strand). VCF-style: chr11-62629656-T-A. GRCh37 (hg19) VCF-style: chr11-62397128-T-A.
Other names: c.1490A>T, p.Gln497Leu (NM_001278192.2); c.1424A>T, p.Gln475Leu (NM_001278193.2); c.1475A>T, p.Gln492Leu (NM_001278194.2, NM_001329222.2, NM_001329223.2); c.1043A>T, p.Gln348Leu (NM_001329224.2, NM_001329225.2); c.1832A>T, p.Gln611Leu (NM_198335.4); short protein forms Q492L, Q348L, Q589L, Q611L, Q475L, Q497L.
Identifiers: ClinVar variation 3700335 (VCV003700335.2).